The following is an entry in ClinVar:

NM_007294.4(BRCA1):c.243A>C (p.Gln81His)

Gene: BRCA1 (BRCA1 DNA repair associated; minus strand). Cytogenetic location: 17q21.31.
Variant type: single nucleotide variant.
Coding change: c.243A>C on transcript NM_007294.4 (MANE Select); coding-DNA position 243, A replaced by C.
Protein change: p.Gln81His; replaces glutamine 81 with histidine.
Molecular consequence: missense variant. On other transcripts: non-coding transcript variant (1).
Genome position (GRCh38, 1-based): chr17:43,104,926, T>G on the plus strand (A>C on the coding strand, the complement: BRCA1 is on the minus strand). VCF-style: chr17-43104926-T-G. GRCh37 (hg19) VCF-style: chr17-41256943-T-G.
Other names: c.102A>C, p.Gln34His (NM_007297.4, NM_001407692.1, NM_001407694.1 and 99 more transcripts); c.243A>C, p.Gln81His (NM_007298.4, NM_007299.4, NM_007300.4 and 168 more transcripts); c.165A>C, p.Gln55His (NM_001407653.1, NM_001407654.1, NM_001407655.1 and 21 more transcripts); c.33A>C, p.Gln11His (NM_001407853.1, NM_001407879.1, NM_001407881.1 and 58 more transcripts); c.-139A>C (NM_001407959.1, NM_001407960.1, NM_001407962.1 and 4 more transcripts); c.111A>C, p.Gln37His (NM_001408451.1); short protein forms Q34H, Q81H, Q11H, Q37H, Q55H.
Identifiers: ClinVar variation 868799 (VCV000868799.3), dbSNP rs863224418, ClinGen allele CA10601671.

Conditions:
Breast-ovarian cancer, familial, susceptibility to, 1 (BROVCA1). Also called: BRCA1 Hereditary Breast and Ovarian Cancer; OVARIAN CANCER, SUSCEPTIBILITY TO. Identifiers: Orphanet 145, MedGen C2676676, MONDO:0011450, OMIM 604370. Disease mechanism: loss of function.

Submission:

Brotman Baty Institute, University of Washington
No classification provided (evidence only). Condition: Breast-ovarian cancer, familial 1. Review status: no classification provided. Collection method: in vitro. Allele origin: not applicable. Functional consequence: function_uncertain_variant.
ClinVar note: "not provided" was previously submitted as the classification for the variant. However, the classification appeared to be based only on an observation of functional data so it was converted to no classification on 2025-07-30.